The following is an entry in ClinVar:

ClinVar aggregate classification (germline): Uncertain significance (1 of 4 stars; one submission).

Conditions:
Hereditary cancer-predisposing syndrome. Also called: Neoplastic Syndromes, Hereditary; Tumor predisposition; Hereditary neoplastic syndrome; Hereditary Cancer Syndrome. Identifiers: Orphanet 140162, MedGen C0027672, MeSH D009386, MONDO:0015356.

Submission:

Ambry Genetics
Classification: Uncertain significance for Hereditary cancer-predisposing syndrome. Last evaluated: 2026-07-06. Review status: criteria provided, single submitter. Criteria: Ambry Variant Classification Scheme 2023. Collection method: clinical testing. Allele origin: germline.
Comment: The p.D403H variant (also known as c.1207G>C), located in coding exon 8 of the MSH3 gene, results from a G to C substitution at nucleotide position 1207. The aspartic acid at codon 403 is replaced by histidine, an amino acid with similar properties. This amino acid position is conserved. In addition, this alteration is predicted to be deleterious by in silico analysis. Based on the available evidence, the clinical significance of this variant remains unclear.

NM_002439.5(MSH3):c.1207G>C (p.Asp403His)

Gene: MSH3 (mutS homolog 3; plus strand). Cytogenetic location: 5q14.1.
Variant type: single nucleotide variant.
Coding change: c.1207G>C on transcript NM_002439.5 (MANE Select); coding-DNA position 1207, G replaced by C.
Protein change: p.Asp403His; replaces aspartic acid 403 with histidine.
Molecular consequence: missense variant.
Genome position (GRCh38, 1-based): chr5:80,678,960, G>C. VCF-style: chr5-80678960-G-C. GRCh37 (hg19) VCF-style: chr5-79974779-G-C.
Other names: short protein forms D403H.
Identifiers: ClinVar variation 5024768 (VCV005024768.1).